The following is an entry in ClinVar:

NM_024753.5(TTC21B):c.2921A>G (p.His974Arg)

Gene: TTC21B (tetratricopeptide repeat domain 21B; minus strand). Cytogenetic location: 2q24.3.
Variant type: single nucleotide variant.
Coding change: c.2921A>G on transcript NM_024753.5 (MANE Select); coding-DNA position 2921, A replaced by G.
Protein change: p.His974Arg; replaces histidine 974 with arginine.
Molecular consequence: missense variant.
Genome position (GRCh38, 1-based): chr2:165,898,715, T>C on the plus strand (A>G on the coding strand, the complement: TTC21B is on the minus strand). VCF-style: chr2-165898715-T-C. GRCh37 (hg19) VCF-style: chr2-166755225-T-C.
Other names: short protein forms H974R.
Identifiers: ClinVar variation 1499291 (VCV001499291.8), dbSNP rs1311327616, ClinGen allele CA349049724.

ClinVar aggregate classification (germline): Uncertain significance (1 of 4 stars; one submission).

Conditions:
Nephronophthisis. Also called: Juvenile Nephronophthisis. Identifiers: Orphanet 655, MedGen C0687120, MONDO:0019005, HP:0000090.
Jeune thoracic dystrophy. Also called: Jeune syndrome; Short-rib thoracic dysplasia; Infantile thoracic dystrophy; Thoracic pelvic phalangeal dystrophy; Jeune's syndrome; Chondroectodermal dysplasia-like syndrome. Identifiers: Orphanet 474, MedGen C0265275, MONDO:0018770.

Allele frequency attached by ClinVar (database versions not stated): gnomAD exomes below 0.00001.
gnomAD v4.1: 2 of 1,613,582 alleles (0.00012%); highest among the groups gnomAD compares: Non-Finnish European, 0.00017%; no homozygotes.

Submission:

Labcorp Genetics (formerly Invitae), Labcorp
Classification: Uncertain significance for Jeune thoracic dystrophy; Nephronophthisis. Last evaluated: 2020-12-08. Review status: criteria provided, single submitter. Criteria: Invitae Variant Classification Sherloc (09022015). Collection method: clinical testing. Allele origin: germline.
Comment: This variant is not present in population databases (ExAC no frequency). This sequence change replaces histidine with arginine at codon 974 of the TTC21B protein (p.His974Arg). The histidine residue is highly conserved and there is a small physicochemical difference between histidine and arginine. This variant has not been reported in the literature in individuals with TTC21B-related conditions. In summary, the available evidence is currently insufficient to determine the role of this variant in disease. Therefore, it has been classified as a Variant of Uncertain Significance. Algorithms developed to predict the effect of missense changes on protein structure and function are either unavailable or do not agree on the potential impact of this missense change (SIFT: "Tolerated"; PolyPhen-2: "Possibly Damaging"; Align-GVGD: "Class C0").